The following is an entry in ClinVar:

ClinVar aggregate classification (germline): Uncertain significance (1 of 4 stars; one submission).

Conditions:
3-methylcrotonyl-CoA carboxylase 2 deficiency. Also called: METHYLCROTONYLGLYCINURIA, TYPE II; 3 alpha methylcrotonyl-CoA carboxylase 2 deficiency; 3 alpha methylcrotonylglycinuria 2; MCC 2 deficiency; Methylcrotonylglycinuria type 2. Identifiers: Orphanet 6, MedGen C1859499, MONDO:0008862, OMIM 210210.

Allele frequency attached by ClinVar (database versions not stated): gnomAD exomes below 0.00001.
gnomAD v4.1: 1 of 1,538,240 alleles (0.000065%); highest among the groups gnomAD compares: Non-Finnish European, 0.000087%; no homozygotes.

Submission:

Labcorp Genetics (formerly Invitae), Labcorp
Classification: Uncertain significance for 3-methylcrotonyl-CoA carboxylase 2 deficiency. Last evaluated: 2021-06-13. Review status: criteria provided, single submitter. Criteria: Invitae Variant Classification Sherloc (09022015). Collection method: clinical testing. Allele origin: germline.
Comment: This sequence change replaces threonine with isoleucine at codon 33 of the MCCC2 protein (p.Thr33Ile). The threonine residue is moderately conserved and there is a moderate physicochemical difference between threonine and isoleucine. The frequency data for this variant in the population databases is considered unreliable, as metrics indicate insufficient coverage at this position in the ExAC database. This variant has not been reported in the literature in individuals with MCCC2-related conditions. Advanced modeling of protein sequence and biophysical properties (such as structural, functional, and spatial information, amino acid conservation, physicochemical variation, residue mobility, and thermodynamic stability) performed at Invitae indicates that this missense variant is expected to disrupt MCCC2 protein function. In summary, the available evidence is currently insufficient to determine the role of this variant in disease. Therefore, it has been classified as a Variant of Uncertain Significance.

NM_022132.5(MCCC2):c.98C>T (p.Thr33Ile)

Gene: MCCC2 (methylcrotonyl-CoA carboxylase subunit 2; plus strand). Cytogenetic location: 5q13.2.
Variant type: single nucleotide variant.
Coding change: c.98C>T on transcript NM_022132.5 (MANE Select); coding-DNA position 98, C replaced by T.
Protein change: p.Thr33Ile; replaces threonine 33 with isoleucine.
Molecular consequence: missense variant.
Genome position (GRCh38, 1-based): chr5:71,587,523, C>T. VCF-style: chr5-71587523-C-T. GRCh37 (hg19) VCF-style: chr5-70883350-C-T.
Other names: c.98C>T, p.Thr33Ile (NM_001363147.1); short protein forms T33I.
Identifiers: ClinVar variation 1360360 (VCV001360360.8), dbSNP rs2112251506, ClinGen allele CA360002246.